The following is an entry in ClinVar:

ClinVar aggregate classification (germline): Conflicting classifications of pathogenicity. Review status: criteria provided, conflicting classifications (1 of 4 stars). 5 submissions from 5 submitters: Uncertain significance (1); Benign (1); Likely benign (3). Last evaluated 2026-03-27.

Conditions:
Cardiovascular phenotype. Identifiers: MedGen CN230736.
Osteogenesis imperfecta type I (OI1). Also called: Classic Non-deforming Osteogenesis Imperfecta with Blue Sclerae; Lobstein disease; OI, TYPE I; OSTEOGENESIS IMPERFECTA TARDA; OSTEOGENESIS IMPERFECTA WITH BLUE SCLERAE; Lobstein's Disease. Identifiers: Orphanet 216796, Orphanet 666, MedGen C0023931, MONDO:0008146, OMIM 166200. Disease mechanism: loss of function.

Allele frequency attached by ClinVar (database versions not stated): gnomAD exomes 0.00004; ExAC 0.00005; gnomAD 0.00012 and 0.00013; TOPMed 0.00013; ESP Exome Variant Server 0.00023; 1000 Genomes Project 0.00040; 1000 Genomes Project 30x 0.00062.
gnomAD v4.1: 47 of 1,612,554 alleles (0.0029%); highest among the groups gnomAD compares: African/African-American, 0.035%; no homozygotes.

Submissions (5):

Molecular Diagnostic Laboratory for Inherited Cardiovascular Disease, Montreal Heart Institute
Classification: Likely benign. Last evaluated: 2026-03-27. Review status: criteria provided, single submitter. Criteria: ACMG Guidelines, 2015. Collection method: clinical testing. Allele origin: germline. Affected: no.
Comment: BS1,BP4

Ambry Genetics
Classification: Benign for Cardiovascular phenotype. Last evaluated: 2025-11-19. Review status: criteria provided, single submitter. Criteria: Ambry Variant Classification Scheme 2023. Collection method: clinical testing. Allele origin: germline.

Labcorp Genetics (formerly Invitae), Labcorp
Classification: Likely benign for Osteogenesis imperfecta type I. Last evaluated: 2025-11-13. Review status: criteria provided, single submitter. Criteria: Invitae Variant Classification Sherloc (09022015). Collection method: clinical testing. Allele origin: germline.

GeneDx
Classification: Uncertain significance. Last evaluated: 2024-08-09. Review status: criteria provided, single submitter. Criteria: GeneDx Variant Classification Process June 2021. Collection method: clinical testing. Allele origin: germline. Affected: yes.
Comment: In silico analysis indicates that this missense variant does not alter protein structure/function; Has not been previously published as pathogenic or benign to our knowledge

Blueprint Genetics
Classification: Likely benign. Last evaluated: 2024-05-27. Review status: criteria provided, single submitter. Criteria: ACMG Guidelines, 2015. Collection method: clinical testing. Allele origin: germline.

NM_000088.4(COL1A1):c.4030G>A (p.Asp1344Asn)

Gene: COL1A1 (collagen type I alpha 1 chain; minus strand). Cytogenetic location: 17q21.33.
Variant type: single nucleotide variant.
Coding change: c.4030G>A on transcript NM_000088.4 (MANE Select); coding-DNA position 4030, G replaced by A.
Protein change: p.Asp1344Asn; replaces aspartic acid 1344 with asparagine.
Molecular consequence: missense variant.
Genome position (GRCh38, 1-based): chr17:50,185,996, C>T on the plus strand (G>A on the coding strand, the complement: COL1A1 is on the minus strand). VCF-style: chr17-50185996-C-T. GRCh37 (hg19) VCF-style: chr17-48263357-C-T.
Other names: short protein forms D1344N.
Identifiers: ClinVar variation 800265 (VCV000800265.20), dbSNP rs371547661, ClinGen allele CA8644268.